The following is an entry in ClinVar:

ClinVar aggregate classification (germline): Uncertain significance (1 of 4 stars; one submission).

Conditions:
Cardiovascular phenotype. Identifiers: MedGen CN230736.

gnomAD v4.1: 10 of 1,613,816 alleles (0.00062%); highest among the groups gnomAD compares: South Asian, 0.0011%; no homozygotes.

Submission:

Ambry Genetics
Classification: Uncertain significance for Cardiovascular phenotype. Last evaluated: 2025-06-01. Review status: criteria provided, single submitter. Criteria: Ambry Variant Classification Scheme 2023. Collection method: clinical testing. Allele origin: germline.
Comment: The p.M491T variant (also known as c.1472T>C), located in coding exon 8 of the AKAP9 gene, results from a T to C substitution at nucleotide position 1472. The methionine at codon 491 is replaced by threonine, an amino acid with similar properties. This amino acid position is conserved. In addition, this alteration is predicted to be tolerated by in silico analysis. Based on the available evidence, the clinical significance of this variant remains unclear.

NM_005751.5(AKAP9):c.1472T>C (p.Met491Thr)

Gene: AKAP9 (A-kinase anchoring protein 9; plus strand). Cytogenetic location: 7q21.2.
Variant type: single nucleotide variant.
Coding change: c.1472T>C on transcript NM_005751.5 (MANE Select); coding-DNA position 1472, T replaced by C.
Protein change: p.Met491Thr; replaces methionine 491 with threonine.
Molecular consequence: missense variant.
Genome position (GRCh38, 1-based): chr7:92,001,389, T>C. VCF-style: chr7-92001389-T-C. GRCh37 (hg19) VCF-style: chr7-91630703-T-C.
Other names: c.1472T>C, p.Met491Thr (NM_147185.3); short protein forms M491T.
Identifiers: ClinVar variation 4034247 (VCV004034247.1).
Genomic context (GRCh38, chr7:92,001,389, plus strand): 5'-TGGAGAATGCTTTAAGGTCATATTCAAATATTACAGTTAATGAAGATCAGATAAAGTTAA[T>C]GAATGTGGCAATAAATGAACTGAATATAAAATTGCAAGATACTAACTCTCAAAAGGAAAA-3'
Protein context (NP_005742.4, residues 481-501): ITVNEDQIKL[Met491Thr]NVAINELNIK